The following is an entry in ClinVar:

NM_007286.6(SYNPO):c.2347T>C (p.Phe783Leu)

Gene: SYNPO (synaptopodin; plus strand). Cytogenetic location: 5q33.1.
Variant type: single nucleotide variant.
Coding change: c.2347T>C on transcript NM_007286.6 (MANE Select); coding-DNA position 2347, T replaced by C.
Protein change: p.Phe783Leu; replaces phenylalanine 783 with leucine.
Molecular consequence: missense variant.
Genome position (GRCh38, 1-based): chr5:150,656,722, T>C. VCF-style: chr5-150656722-T-C. GRCh37 (hg19) VCF-style: chr5-150036284-T-C.
Other names: c.2347T>C (NM_007286.5); short protein forms F783L.
Identifiers: ClinVar variation 2065316 (VCV002065316.5), dbSNP rs1361734758, ClinGen allele CA361770980.
Genomic context (GRCh38, chr5:150,656,722, plus strand): 5'-AATGCGGCCCGGCGCAAGAGCGCCTCCCCGCGGTCGGCGGGCGCCGAGAACCCGCGGCCC[T>C]TCTCCCCGCCGAGGGCGCCACCGCCCCCGCCCCCGCCCCCGCCCCCGCCCCCGCGCATGC-3'
Protein context (NP_009217.3, residues 773-793): RSAGAENPRP[Phe783Leu]SPPRAPPPPP

ClinVar aggregate classification (germline): Uncertain significance. Review status: criteria provided, multiple submitters, no conflicts (2 of 4 stars). 2 submissions from 2 submitters: Uncertain significance (2). Last evaluated 2025-12-23.

Allele frequency attached by ClinVar (database versions not stated): gnomAD exomes 0.00001; gnomAD 0.00012; 1000 Genomes Project 30x 0.00031.
gnomAD v4.1: 31 of 1,370,816 alleles (0.0023%); highest among the groups gnomAD compares: African/African-American, 0.037%; no homozygotes.

Submissions (2):

Labcorp Genetics (formerly Invitae), Labcorp
Classification: Uncertain significance. Last evaluated: 2025-12-23. Review status: criteria provided, single submitter. Criteria: Invitae Variant Classification Sherloc (09022015). Collection method: clinical testing. Allele origin: germline.
Comment: This sequence change replaces phenylalanine, which is neutral and non-polar, with leucine, which is neutral and non-polar, at codon 783 of the SYNPO protein (p.Phe783Leu). This variant is present in population databases (no rsID available, gnomAD 0.03%). This variant has not been reported in the literature in individuals affected with SYNPO-related conditions. ClinVar contains an entry for this variant (Variation ID: 2065316). An algorithm developed to predict the effect of missense changes on protein structure and function (PolyPhen-2) suggests that this variant is likely to be disruptive. In summary, the available evidence is currently insufficient to determine the role of this variant in disease. Therefore, it has been classified as a Variant of Uncertain Significance.

Ambry Genetics
Classification: Uncertain significance. Last evaluated: 2025-12-11. Review status: criteria provided, single submitter. Criteria: Ambry Variant Classification Scheme 2023. Collection method: clinical testing. Allele origin: germline.